The following is an entry in ClinVar:

ClinVar aggregate classification (germline): Uncertain significance (0 of 4 stars; one submission).

Submission:

Richard Lifton Laboratory, Yale University School of Medicine
Classification: Uncertain significance. Review status: no assertion criteria provided. Collection method: not provided. Allele origin: somatic.
Comment: STAT2
ClinVar note: Converted during submission from unknown to Uncertain significance.

NM_005419.4(STAT2):c.598C>T (p.Gln200Ter)

Gene: STAT2 (signal transducer and activator of transcription 2; minus strand). Cytogenetic location: 12q13.3.
Variant type: single nucleotide variant.
Coding change: c.598C>T on transcript NM_005419.4 (MANE Select); coding-DNA position 598, C replaced by T.
Protein change: p.Gln200Ter; replaces glutamine 200 with a stop codon.
Molecular consequence: nonsense.
Genome position (GRCh38, 1-based): chr12:56,354,813, G>A on the plus strand (C>T on the coding strand, the complement: STAT2 is on the minus strand). VCF-style: chr12-56354813-G-A. GRCh37 (hg19) VCF-style: chr12-56748597-G-A.
Other names: c.586C>T, p.Gln196Ter (NM_198332.2); c.598C>T, p.Gln200Ter (LRG_1329t1); short protein forms Q200*, Q196*.
Identifiers: ClinVar variation 91964 (VCV000091964.2), dbSNP rs386352367, ClinGen allele CA232255.